The following is an entry in ClinVar:

ClinVar aggregate classification (germline): Uncertain significance (1 of 4 stars; one submission).

Allele frequency attached by ClinVar (database versions not stated): gnomAD exomes below 0.00001.
gnomAD v4.1: 3 of 1,614,038 alleles (0.00019%); highest among the groups gnomAD compares: East Asian, 0.0067%; no homozygotes.

Submission:

Labcorp Genetics (formerly Invitae), Labcorp
Classification: Uncertain significance. Last evaluated: 2022-08-06. Review status: criteria provided, single submitter. Criteria: Invitae Variant Classification Sherloc (09022015). Collection method: clinical testing. Allele origin: germline.
Comment: This sequence change replaces lysine, which is basic and polar, with arginine, which is basic and polar, at codon 10 of the CNGB3 protein (p.Lys10Arg). This variant is present in population databases (no rsID available, gnomAD 0.006%). This variant has not been reported in the literature in individuals affected with CNGB3-related conditions. Advanced modeling of protein sequence and biophysical properties (such as structural, functional, and spatial information, amino acid conservation, physicochemical variation, residue mobility, and thermodynamic stability) performed at Invitae indicates that this missense variant is not expected to disrupt CNGB3 protein function. In summary, the available evidence is currently insufficient to determine the role of this variant in disease. Therefore, it has been classified as a Variant of Uncertain Significance.

NM_019098.5(CNGB3):c.29A>G (p.Lys10Arg)

Gene: CNGB3 (cyclic nucleotide gated channel subunit beta 3; minus strand). Cytogenetic location: 8q21.3.
Variant type: single nucleotide variant.
Coding change: c.29A>G on transcript NM_019098.5 (MANE Select); coding-DNA position 29, A replaced by G.
Protein change: p.Lys10Arg; replaces lysine 10 with arginine.
Molecular consequence: missense variant.
Genome position (GRCh38, 1-based): chr8:86,743,599, T>C on the plus strand (A>G on the coding strand, the complement: CNGB3 is on the minus strand). VCF-style: chr8-86743599-T-C. GRCh37 (hg19) VCF-style: chr8-87755827-T-C.
Other names: short protein forms K10R.
Identifiers: ClinVar variation 2164828 (VCV002164828.1), dbSNP rs1204900611, ClinGen allele CA371452884.